The following is an entry in ClinVar:

ClinVar aggregate classification (germline): Conflicting classifications of pathogenicity. Review status: criteria provided, conflicting classifications (1 of 4 stars). 8 submissions from 8 submitters: Uncertain significance (2); Likely benign (5). 1 of the submissions does not count toward it. Last evaluated 2026-01-18.

Conditions:
FANCA-related disorder. Also called: FANCA-related condition.
Fanconi anemia complementation group A (FANCA). Also called: Fanconi anemia, group A; FANCA-Related Fanconi Anemia. Identifiers: Orphanet 84, MedGen C3469521, MONDO:0009215, OMIM 227650.
Inborn genetic diseases. Identifiers: MedGen C0950123, MeSH D030342.
Fanconi anemia (FA). Also called: Fanconi's anemia. Identifiers: Orphanet 84, MedGen C0015625, MeSH D005199, MONDO:0019391.

Allele frequency attached by ClinVar (database versions not stated): gnomAD 0.00007; TOPMed 0.00007.
gnomAD v4.1: 107 of 1,613,898 alleles (0.0066%); highest among the groups gnomAD compares: East Asian, 0.076%; no homozygotes.

Submissions (8):

Labcorp Genetics (formerly Invitae), Labcorp
Classification: Likely benign for Fanconi anemia. Last evaluated: 2026-01-18. Review status: criteria provided, single submitter. Criteria: Invitae Variant Classification Sherloc (09022015). Collection method: clinical testing. Allele origin: germline.

Quest Diagnostics Nichols Institute San Juan Capistrano
Classification: Likely benign. Last evaluated: 2025-08-21. Review status: criteria provided, single submitter. Criteria: Quest Diagnostics criteria. Collection method: clinical testing. Allele origin: unknown.

Ambry Genetics
Classification: Likely benign for Inborn genetic diseases. Last evaluated: 2024-08-02. Review status: criteria provided, single submitter. Criteria: Ambry Variant Classification Scheme 2023. Collection method: clinical testing. Allele origin: germline.

Fulgent Genetics
Classification: Uncertain significance for Fanconi anemia complementation group A. Last evaluated: 2024-03-06. Review status: criteria provided, single submitter. Criteria: ACMG Guidelines, 2015. Collection method: clinical testing. Allele origin: germline.

Blueprint Genetics
Classification: Likely benign. Last evaluated: 2023-10-23. Review status: criteria provided, single submitter. Criteria: ACMG Guidelines, 2015. Collection method: clinical testing. Allele origin: germline.

Illumina Laboratory Services, Illumina
Classification: Uncertain significance for Fanconi anemia complementation group A. Last evaluated: 2018-01-13. Review status: criteria provided, single submitter. Criteria: ICSL Variant Classification Criteria 13 December 2019. Collection method: clinical testing. Allele origin: germline.

Clinical Genetics DNA and cytogenetics Diagnostics Lab, Erasmus MC, Erasmus Medical Center
Classification: Likely benign for Fanconi anemia complementation group A. Last evaluated: 2017-03-30. Review status: criteria provided, single submitter. Criteria: ACGS Guidelines, 2013. Collection method: clinical testing. Allele origin: germline. Affected: yes. Study: VKGL Data-share Consensus.

PreventionGenetics, part of Exact Sciences
Classification: Uncertain significance for FANCA-related condition. Last evaluated: 2024-08-27. Review status: no assertion criteria provided. Collection method: clinical testing. Allele origin: germline. Not counted in ClinVar's aggregate classification.
Comment: The FANCA c.1573A>G variant is predicted to result in the amino acid substitution p.Ile525Val. This variant was reported in the heterozygous state in a patient with Fanconi Anemia (Table S3, Chang et al. 2023. PubMed ID: 36463940). A second FANCA variant was found in this patient, but phase was not determined. This variant is reported in 0.080% of alleles in individuals of East Asian descent in gnomAD and has conflicting interpretations regarding its pathogenicity in ClinVar, ranging from likely benign to uncertain. At this time, the clinical significance of this variant is uncertain due to the absence of conclusive functional and genetic evidence.

NM_000135.4(FANCA):c.1573A>G (p.Ile525Val)

Gene: FANCA (FA complementation group A; minus strand). Cytogenetic location: 16q24.3.
Variant type: single nucleotide variant.
Coding change: c.1573A>G on transcript NM_000135.4 (MANE Select); coding-DNA position 1573, A replaced by G.
Protein change: p.Ile525Val; replaces isoleucine 525 with valine.
Molecular consequence: missense variant.
Genome position (GRCh38, 1-based): chr16:89,782,912, T>C on the plus strand (A>G on the coding strand, the complement: FANCA is on the minus strand). VCF-style: chr16-89782912-T-C. GRCh37 (hg19) VCF-style: chr16-89849320-T-C.
Other names: c.1573A>G (LRG_495t1, NM_000135.3); c.1573A>G, p.Ile525Val (NM_001286167.3); short protein forms I525V.
Identifiers: ClinVar variation 522334 (VCV000522334.22), dbSNP rs755925068, ClinGen allele CA8252237.